The following is an entry in ClinVar:

ClinVar aggregate classification (germline): Benign/Likely benign. Review status: criteria provided, multiple submitters, no conflicts (2 of 4 stars). 13 submissions from 13 submitters: Benign (2); Likely benign (5). 6 of the submissions do not count toward it. Last evaluated 2024-11-25.

Conditions:
AFF2-related disorder. Also called: AFF2-related condition.
FRAXE. Also called: FRAXE Syndrome; Fragile XE syndrome; Intellectual disability, X-linked, FRAXE type; Intellectual developmental disorder, X-linked 109; FRAXE intellectual disability. Identifiers: Orphanet 100973, MedGen C0751157, MONDO:0010659, OMIM 309548. Disease mechanism: loss of function.
Intellectual disability. Also called: Intellectual developmental disorder; Intellectual functioning disability; intellectual disabilities. Identifiers: MedGen C3714756, MeSH D008607, MONDO:0001071, HP:0001249.

Allele frequency attached by ClinVar (database versions not stated): TOPMed 0.00117; gnomAD 0.00127 and 0.00125; ESP Exome Variant Server 0.00133; 1000 Genomes Project 30x 0.00062; gnomAD exomes 0.00164 and 0.00116; ExAC 0.00117; 1000 Genomes Project 0.00053.
gnomAD v4.1: 1,927 of 1,209,004 alleles (0.16%); highest among the groups gnomAD compares: Non-Finnish European, 0.19%; 3 homozygotes.

Submissions (17):

Blueprint Genetics
Classification: Likely benign. Last evaluated: 2024-11-25. Review status: criteria provided, single submitter. Criteria: ACMG Guidelines, 2015. Collection method: clinical testing. Allele origin: germline.

Fulgent Genetics
Classification: Likely benign for FRAXE. Last evaluated: 2022-01-10. Review status: criteria provided, single submitter. Criteria: ACMG Guidelines, 2015. Collection method: clinical testing. Allele origin: unknown.

Cambridge Genomics Laboratory, East Genomic Laboratory Hub, NHS Genomic Medicine Service
Classification: Likely benign for Intellectual disability. Last evaluated: 2019-04-17. Review status: criteria provided, single submitter. Criteria: ACGS Best Practice Guidelines for Variant Classification in Rare Disease 2020. Collection method: clinical testing. Allele origin: germline. Affected: yes. Observed: 1 variant allele.

Labcorp Genetics (formerly Invitae), Labcorp
Classification: Likely benign. Last evaluated: 2018-06-21. Review status: criteria provided, single submitter. Criteria: Invitae Variant Classification Sherloc (09022015). Collection method: clinical testing. Allele origin: germline.

GeneDx
Classification: Likely benign. Last evaluated: 2018-04-10. Review status: criteria provided, single submitter. Criteria: GeneDx Variant Classification (06012015). Collection method: clinical testing. Allele origin: germline. Affected: yes.
Comment: This variant is considered likely benign or benign based on one or more of the following criteria: it is a conservative change, it occurs at a poorly conserved position in the protein, it is predicted to be benign by multiple in silico algorithms, and/or has population frequency not consistent with disease.

Genetic Services Laboratory, University of Chicago
Classification: Benign. Last evaluated: 2017-12-08. Review status: criteria provided, single submitter. Criteria: ACMG Guidelines, 2015. Collection method: clinical testing. Allele origin: germline. Affected: no.

Eurofins Ntd Llc (ga)
Classification: Benign. Last evaluated: 2014-01-15. Review status: criteria provided, single submitter. Criteria: EGL Classification Definitions 2015. Collection method: clinical testing. Allele origin: germline. Observed: 1 variant allele, 1 heterozygote.

PreventionGenetics, part of Exact Sciences
Classification: Likely benign for AFF2-related condition. Last evaluated: 2019-10-03. Review status: no assertion criteria provided. Collection method: clinical testing. Allele origin: germline. Not counted in ClinVar's aggregate classification.
Comment: This variant is classified as likely benign based on ACMG/AMP sequence variant interpretation guidelines (Richards et al. 2015 PMID: 25741868, with internal and published modifications).

Centre de Biologie Pathologie Génétique, Centre Hospitalier Universitaire de Lille
Classification: Likely benign for Intellectual disability. Last evaluated: 2019-01-01. Review status: no assertion criteria provided. Collection method: clinical testing. Allele origin: inherited. Affected: yes. Not counted in ClinVar's aggregate classification.

Clinical Genetics DNA and cytogenetics Diagnostics Lab, Erasmus MC, Erasmus Medical Center
Classification: Likely benign. Review status: no assertion criteria provided. Collection method: clinical testing. Allele origin: germline. Affected: yes. Study: VKGL Data-share Consensus. Not counted in ClinVar's aggregate classification.

Diagnostic Laboratory, Department of Genetics, University Medical Center Groningen
Classification: Likely benign. Review status: no assertion criteria provided. Collection method: clinical testing. Allele origin: germline. Affected: yes. Study: VKGL Data-share Consensus. Not counted in ClinVar's aggregate classification.

Dr. Peter K. Rogan Lab, Western University
No classification provided (evidence only). Condition: Thyroid cancer, nonmedullary, 1. Review status: no classification provided. Collection method: in vitro. Allele origin: not applicable. Functional consequence: retained intron. Not counted in ClinVar's aggregate classification.

Dr. Peter K. Rogan Lab, Western University
No classification provided (evidence only). Condition: Thyroid cancer, nonmedullary, 1. Review status: no classification provided. Collection method: in vitro. Allele origin: not applicable. Functional consequence: retained intron. Not counted in ClinVar's aggregate classification.

Dr. Peter K. Rogan Lab, Western University
No classification provided (evidence only). Condition: Thyroid cancer, nonmedullary, 1. Review status: no classification provided. Collection method: in vitro. Allele origin: not applicable. Functional consequence: retained intron. Not counted in ClinVar's aggregate classification.

Dr. Peter K. Rogan Lab, Western University
No classification provided (evidence only). Condition: Malignant tumor of esophagus. Review status: no classification provided. Collection method: in vitro. Allele origin: not applicable. Functional consequence: retained intron. Not counted in ClinVar's aggregate classification.

Genome Diagnostics Laboratory, University Medical Center Utrecht
Classification: Benign. Review status: no assertion criteria provided. Collection method: clinical testing. Allele origin: germline. Affected: yes. Study: VKGL Data-share Consensus. Not counted in ClinVar's aggregate classification.

Laboratory of Diagnostic Genome Analysis, Leiden University Medical Center (LUMC)
Classification: Likely benign. Review status: no assertion criteria provided. Collection method: clinical testing. Allele origin: germline. Affected: yes. Study: VKGL Data-share Consensus. Not counted in ClinVar's aggregate classification.

NM_002025.4(AFF2):c.2656C>G (p.Pro886Ala)

Gene: AFF2 (ALF transcription elongation factor 2; plus strand). Cytogenetic location: Xq28.
Variant type: single nucleotide variant.
Coding change: c.2656C>G on transcript NM_002025.4 (MANE Select); coding-DNA position 2656, C replaced by G.
Protein change: p.Pro886Ala; replaces proline 886 with alanine.
Molecular consequence: missense variant.
Genome position (GRCh38, 1-based): chrX:148,958,424, C>G. VCF-style: chrX-148958424-C-G. GRCh37 (hg19) VCF-style: chrX-148039954-C-G.
Other names: NC_000023.10:g.148039954C>G; c.2557C>G, p.Pro853Ala (NM_001169122.2); c.2626C>G, p.Pro876Ala (NM_001169123.2); c.2551C>G, p.Pro851Ala (NM_001169124.2); c.2539C>G, p.Pro847Ala (NM_001169125.2); c.1579C>G, p.Pro527Ala (NM_001170628.1); short protein forms P886A, P847A, P853A, P876A, P527A, P851A.
Identifiers: ClinVar variation 166659 (VCV000166659.25), dbSNP rs151043891, ClinGen allele CA179718.